The following is an entry in ClinVar:

ClinVar aggregate classification (germline): Uncertain significance (1 of 4 stars; one submission).

Conditions:
KIDINS220-related disorder. Also called: KIDINS220-related condition.

Submission:

PreventionGenetics, part of Exact Sciences
Classification: Uncertain significance for KIDINS220-related condition. Last evaluated: 2025-08-31. Review status: criteria provided, single submitter. Criteria: ACMG Guidelines, 2015. Collection method: clinical testing. Allele origin: germline.
Comment: The KIDINS220 c.2473G>A variant is predicted to result in the amino acid substitution p.Asp825Asn. To our knowledge, this variant has not been reported in the literature or in a large population database (gnomAD), indicating this variant is rare. At this time, the clinical significance of this variant is uncertain due to the absence of conclusive functional and genetic evidence.

NM_020738.4(KIDINS220):c.2473G>A (p.Asp825Asn)

Gene: KIDINS220 (kinase D interacting substrate 220; minus strand). Cytogenetic location: 2p25.1.
Variant type: single nucleotide variant.
Coding change: c.2473G>A on transcript NM_020738.4 (MANE Select); coding-DNA position 2473, G replaced by A.
Protein change: p.Asp825Asn; replaces aspartic acid 825 with asparagine.
Molecular consequence: missense variant. On other transcripts: non-coding transcript variant (2).
Genome position (GRCh38, 1-based): chr2:8,779,037, C>T on the plus strand (G>A on the coding strand, the complement: KIDINS220 is on the minus strand). VCF-style: chr2-8779037-C-T. GRCh37 (hg19) VCF-style: chr2-8919167-C-T.
Other names: c.2476G>A, p.Asp826Asn (NM_001348729.2, NM_001348731.2, NM_001348734.2 and 3 more transcripts); c.2473G>A, p.Asp825Asn (NM_001348732.2, NM_001348735.2, NM_001348738.2 and 3 more transcripts); c.2347G>A, p.Asp783Asn (NM_001348736.2); short protein forms D825N, D826N, D783N.
Identifiers: ClinVar variation 5002490 (VCV005002490.1).